The following is an entry in ClinVar:

ClinVar aggregate classification (germline): Uncertain significance (1 of 4 stars; one submission).

gnomAD v4.1: 1 of 1,614,164 alleles (0.000062%); no homozygotes.

Submission:

Labcorp Genetics (formerly Invitae), Labcorp
Classification: Uncertain significance. Last evaluated: 2023-04-11. Review status: criteria provided, single submitter. Criteria: Invitae Variant Classification Sherloc (09022015). Collection method: clinical testing. Allele origin: germline.
Comment: In summary, the available evidence is currently insufficient to determine the role of this variant in disease. Therefore, it has been classified as a Variant of Uncertain Significance. Algorithms developed to predict the effect of sequence changes on RNA splicing suggest that this variant may disrupt the consensus splice site. An algorithm developed to predict the effect of missense changes on protein structure and function (PolyPhen-2) suggests that this variant is likely to be tolerated. This variant has not been reported in the literature in individuals affected with FUK-related conditions. This variant is not present in population databases (gnomAD no frequency). This sequence change replaces methionine, which is neutral and non-polar, with arginine, which is basic and polar, at codon 892 of the FUK protein (p.Met892Arg).

NM_145059.3(FCSK):c.2675T>G (p.Met892Arg)

Gene: FCSK (fucose kinase; plus strand). Cytogenetic location: 16q22.1.
Variant type: single nucleotide variant.
Coding change: c.2675T>G on transcript NM_145059.3 (MANE Select); coding-DNA position 2675, T replaced by G.
Protein change: p.Met892Arg; replaces methionine 892 with arginine.
Molecular consequence: missense variant.
Genome position (GRCh38, 1-based): chr16:70,478,305, T>G. VCF-style: chr16-70478305-T-G. GRCh37 (hg19) VCF-style: chr16-70512208-T-G.
Other names: short protein forms M892R.
Identifiers: ClinVar variation 2792975 (VCV002792975.3), dbSNP rs2507450996, ClinGen allele CA396574701.
Genomic context (GRCh38, chr16:70,478,305, plus strand): 5'-CAACAGTGACAGTCCCTGGGCTCACAGGAGGTGGCTGGCAGGACCAAGTAGGTGGCCTAA[T>G]GCCTGGCATCAAGGTGGGGCGCTCCCGGGCTCAGCTGCCACTGAAGGTGGAGGTAGAAGA-3'
Protein context (NP_659496.2, residues 882-902): GGWQDQVGGL[Met892Arg]PGIKVGRSRA